The following is an entry in ClinVar:

ClinVar aggregate classification (germline): Conflicting classifications of pathogenicity. Review status: criteria provided, conflicting classifications (1 of 4 stars). 4 submissions from 4 submitters: Uncertain significance (3); Likely benign (1). Last evaluated 2026-01-20.

Conditions:
Inborn genetic diseases. Identifiers: MedGen C0950123, MeSH D030342.
Autosomal recessive limb-girdle muscular dystrophy type 2B (LGMDR2). Also called: Limb-Girdle Muscular Dystrophy Type 2B (LGMD2B); Limb-girdle muscular dystrophy, type 2B; MUSCULAR DYSTROPHY, LIMB-GIRDLE, AUTOSOMAL RECESSIVE 2; MUSCULAR DYSTROPHY, LIMB-GIRDLE, TYPE 3. Identifiers: Orphanet 268, MedGen C1850889, MONDO:0009676, OMIM 253601.
Neuromuscular disease caused by qualitative or quantitative defects of dysferlin. Also called: Qualitative or quantitative defects of dysferlin; Dysferlinopathy. Identifiers: Orphanet 207073, MedGen C2931687, MONDO:0016145.

Allele frequency attached by ClinVar (database versions not stated): gnomAD 0.00003; gnomAD exomes 0.00004 and 0.00006; ExAC 0.00008; 1000 Genomes Project 30x 0.00031; 1000 Genomes Project 0.00040.
gnomAD v4.1: 66 of 1,613,752 alleles (0.0041%); highest among the groups gnomAD compares: South Asian, 0.067%; 1 homozygote.

Submissions (4):

Labcorp Genetics (formerly Invitae), Labcorp
Classification: Likely benign for Neuromuscular disease caused by qualitative or quantitative defects of dysferlin. Last evaluated: 2026-01-20. Review status: criteria provided, single submitter. Criteria: Invitae Variant Classification Sherloc (09022015). Collection method: clinical testing. Allele origin: germline.

Ambry Genetics
Classification: Uncertain significance for Inborn genetic diseases. Last evaluated: 2024-06-02. Review status: criteria provided, single submitter. Criteria: Ambry Variant Classification Scheme 2023. Collection method: clinical testing. Allele origin: germline.

Eurofins Ntd Llc (ga)
Classification: Uncertain significance. Last evaluated: 2015-09-22. Review status: criteria provided, single submitter. Criteria: EGL Classification Definitions 2015. Collection method: clinical testing. Allele origin: germline. Observed: 1 variant allele, 1 heterozygote.

Neuberg Centre For Genomic Medicine, NCGM
Classification: Uncertain significance for Autosomal recessive limb-girdle muscular dystrophy type 2B. Review status: criteria provided, single submitter. Criteria: ACMG Guidelines, 2015. Collection method: clinical testing. Allele origin: germline. Affected: yes.
Comment: The missense variant p.G653S in DYSF (NM_003494.4) has not been reported previously as a pathogenic variant nor as a benign variant, to our knowledge. The variant has been submitted to ClinVar as Uncertain Significance. The p.G653S variant is observed in 14/30,534 (0.0459%) alleles from individuals of South Asian background in gnomAD Exomes and in 2/978 (0.2045%) alleles from individuals of South Asian background in 1000 Genomes. The p.G653S missense variant is predicted to be damaging by both SIFT and PolyPhen2. The nucleotide c.1957 in DYSF is predicted conserved by GERP++ and PhyloP across 100 vertebrates. For these reasons, this variant has been classified as Uncertain Significance.

NM_001130987.2(DYSF):c.2011G>A (p.Gly671Ser)

Gene: DYSF (dysferlin; plus strand). Cytogenetic location: 2p13.2.
Variant type: single nucleotide variant.
Coding change: c.2011G>A on transcript NM_001130987.2 (MANE Select); coding-DNA position 2011, G replaced by A.
Protein change: p.Gly671Ser; replaces glycine 671 with serine.
Molecular consequence: missense variant.
Genome position (GRCh38, 1-based): chr2:71,553,833, G>A. VCF-style: chr2-71553833-G-A. GRCh37 (hg19) VCF-style: chr2-71780963-G-A.
Other names: c.1960G>A, p.Gly654Ser (NM_001130455.2, NM_001130983.2); c.1915G>A, p.Gly639Ser (NM_001130976.2, NM_001130977.2); c.1957G>A, p.Gly653Ser (NM_001130978.2, NM_003494.4); c.2050G>A, p.Gly684Ser (NM_001130979.2); c.2008G>A, p.Gly670Ser (NM_001130980.2, NM_001130981.2); c.2053G>A, p.Gly685Ser (NM_001130982.2); c.1918G>A, p.Gly640Ser (NM_001130984.2, NM_001130986.2); c.2011G>A, p.Gly671Ser (NM_001130985.2); and 1 more; short protein forms G671S, G653S, G670S, G640S, G684S, G639S, G654S, G685S.
Identifiers: ClinVar variation 283484 (VCV000283484.15), dbSNP rs538170367, ClinGen allele CA1706026.